The following is an entry in ClinVar:

ClinVar aggregate classification (germline): Uncertain significance. Review status: criteria provided, multiple submitters, no conflicts (2 of 4 stars). 2 submissions from 2 submitters: Uncertain significance (2). Last evaluated 2025-04-29.

Conditions:
Hypertrophic cardiomyopathy 1 (CMH1). Also called: Familial hypertrophic cardiomyopathy 1; MYH7-Related Familial Hypertrophic Cardiomyopathy. Identifiers: MedGen C3495498, MONDO:0008647, OMIM 192600.

Allele frequency attached by ClinVar (database versions not stated): ExAC 0.00001; TOPMed 0.00003; ESP Exome Variant Server 0.00008.

Submissions (2):

GeneDx
Classification: Uncertain significance. Last evaluated: 2025-04-29. Review status: criteria provided, single submitter. Criteria: GeneDx Variant Classification Process June 2021. Collection method: clinical testing. Allele origin: germline. Affected: yes.
Comment: Not observed at significant frequency in large population cohorts (gnomAD); In silico analysis supports that this missense variant has a deleterious effect on protein structure/function; Has not been previously published as pathogenic or benign to our knowledge

Labcorp Genetics (formerly Invitae), Labcorp
Classification: Uncertain significance for Hypertrophic cardiomyopathy 1. Last evaluated: 2025-04-03. Review status: criteria provided, single submitter. Criteria: Invitae Variant Classification Sherloc (09022015). Collection method: clinical testing. Allele origin: germline.
Comment: This sequence change replaces arginine, which is basic and polar, with histidine, which is basic and polar, at codon 270 of the MYLK2 protein (p.Arg270His). This variant is present in population databases (rs146485342, gnomAD 0.01%). This variant has not been reported in the literature in individuals affected with MYLK2-related conditions. ClinVar contains an entry for this variant (Variation ID: 842627). Invitae Evidence Modeling of protein sequence and biophysical properties (such as structural, functional, and spatial information, amino acid conservation, physicochemical variation, residue mobility, and thermodynamic stability) has been performed for this missense variant. However, the output from this modeling did not meet the statistical confidence thresholds required to predict the impact of this variant on MYLK2 protein function. In summary, the available evidence is currently insufficient to determine the role of this variant in disease. Therefore, it has been classified as a Variant of Uncertain Significance.

NM_033118.4(MYLK2):c.809G>A (p.Arg270His)

Gene: MYLK2 (myosin light chain kinase 2; plus strand). Cytogenetic location: 20q11.21.
Variant type: single nucleotide variant.
Coding change: c.809G>A on transcript NM_033118.4 (MANE Select); coding-DNA position 809, G replaced by A.
Protein change: p.Arg270His; replaces arginine 270 with histidine.
Molecular consequence: missense variant.
Genome position (GRCh38, 1-based): chr20:31,823,513, G>A. VCF-style: chr20-31823513-G-A. GRCh37 (hg19) VCF-style: chr20-30411316-G-A.
Other names: short protein forms R270H.
Identifiers: ClinVar variation 842627 (VCV000842627.10), dbSNP rs146485342, ClinGen allele CA9803008.
Genomic context (GRCh38, chr20:31,823,513, plus strand): 5'-TGAGGGCTGTGCTCTGTCCCCCAGATGATTGCCCGCCACCTCCGGCCCCCTTCCCTCACC[G>A]CATGGTGGAGCTGAGGACCGGGAATGTCAGCAGTGAATTCAGTATGAACTCCAAGGAGGC-3'
Protein context (NP_149109.1, residues 260-280): CPPPPAPFPH[Arg270His]MVELRTGNVS